The following is an entry in ClinVar:

ClinVar aggregate classification (germline): Uncertain significance (1 of 4 stars; one submission).

Conditions:
Gingival disorder. Also called: Gingival disease. Identifiers: MedGen C0017563, MONDO:0002021.

Allele frequency attached by ClinVar (database versions not stated): gnomAD exomes below 0.00001 and 0.00001; gnomAD 0.00001; TOPMed 0.00001; ExAC 0.00002.
gnomAD v4.1: 9 of 1,613,978 alleles (0.00056%); highest among the groups gnomAD compares: East Asian, 0.0022%; no homozygotes.

Submission:

Labcorp Genetics (formerly Invitae), Labcorp
Classification: Uncertain significance for Gingival disorder. Last evaluated: 2024-09-14. Review status: criteria provided, single submitter. Criteria: Invitae Variant Classification Sherloc (09022015). Collection method: clinical testing. Allele origin: germline.
Comment: This sequence change replaces arginine, which is basic and polar, with cysteine, which is neutral and slightly polar, at codon 269 of the FPR1 protein (p.Arg269Cys). This variant is present in population databases (rs771446051, gnomAD 0.003%). This variant has not been reported in the literature in individuals affected with FPR1-related conditions. ClinVar contains an entry for this variant (Variation ID: 575332). An algorithm developed to predict the effect of missense changes on protein structure and function (PolyPhen-2) suggests that this variant is likely to be disruptive. In summary, the available evidence is currently insufficient to determine the role of this variant in disease. Therefore, it has been classified as a Variant of Uncertain Significance.

NM_002029.4(FPR1):c.805C>T (p.Arg269Cys)

Gene: FPR1 (formyl peptide receptor 1; minus strand). Cytogenetic location: 19q13.41.
Variant type: single nucleotide variant.
Coding change: c.805C>T on transcript NM_002029.4 (MANE Select); coding-DNA position 805, C replaced by T.
Protein change: p.Arg269Cys; replaces arginine 269 with cysteine.
Molecular consequence: missense variant.
Genome position (GRCh38, 1-based): chr19:51,746,190, G>A on the plus strand (C>T on the coding strand, the complement: FPR1 is on the minus strand). VCF-style: chr19-51746190-G-A. GRCh37 (hg19) VCF-style: chr19-52249443-G-A.
Other names: c.805C>T, p.Arg269Cys (NM_001193306.2); short protein forms R269C.
Identifiers: ClinVar variation 575332 (VCV000575332.10), dbSNP rs771446051, ClinGen allele CA9616385.
Genomic context (GRCh38, chr19:51,746,190, plus strand): 5'-GGGCACTTGTCACATCCACTGCAATACCAATTTCTTTGTACATGCCTTGCAATAACTCAC[G>A]GATTCTGACTGTGGCTATAAGGGCCACCACCTGATATGGGGACCAGCAGAGAAAAAAGGC-3'
Protein context (NP_002020.1, residues 259-279): VVALIATVRI[Arg269Cys]ELLQGMYKEI